The following is an entry in ClinVar:

ClinVar aggregate classification (germline): Uncertain significance (1 of 4 stars; one submission).

Conditions:
SCAF4-related disorder. Also called: SCAF4-related condition.

Submission:

PreventionGenetics, part of Exact Sciences
Classification: Uncertain significance for SCAF4-related condition. Last evaluated: 2025-07-24. Review status: criteria provided, single submitter. Criteria: ACMG Guidelines, 2015. Collection method: clinical testing. Allele origin: germline.
Comment: The SCAF4 c.2942A>G variant is predicted to result in the amino acid substitution p.Gln981Arg. To our knowledge, this variant has not been reported in the literature or in a large population database (gnomAD), indicating this variant is rare. At this time, the clinical significance of this variant is uncertain due to the absence of conclusive functional and genetic evidence.

NM_020706.2(SCAF4):c.2942A>G (p.Gln981Arg)

Gene: SCAF4 (SR-related CTD associated factor 4; minus strand). Cytogenetic location: 21q22.11.
Variant type: single nucleotide variant.
Coding change: c.2942A>G on transcript NM_020706.2 (MANE Select); coding-DNA position 2942, A replaced by G.
Protein change: p.Gln981Arg; replaces glutamine 981 with arginine.
Molecular consequence: missense variant.
Genome position (GRCh38, 1-based): chr21:31,671,901, T>C on the plus strand (A>G on the coding strand, the complement: SCAF4 is on the minus strand). VCF-style: chr21-31671901-T-C. GRCh37 (hg19) VCF-style: chr21-33044214-T-C.
Other names: c.2897A>G, p.Gln966Arg (NM_001145444.1); c.2876A>G, p.Gln959Arg (NM_001145445.1); short protein forms Q959R, Q966R, Q981R.
Identifiers: ClinVar variation 4998020 (VCV004998020.1).